The following is an entry in ClinVar:

NM_000222.3(KIT):c.338-6dup

Gene: KIT (KIT proto-oncogene, receptor tyrosine kinase; plus strand). Cytogenetic location: 4q12.
Variant type: Duplication.
Coding change: c.338-6dup on transcript NM_000222.3 (MANE Select); 6 bases into the intron before coding-DNA position 338, one base duplicated (C; older notation c.338-6dupC).
Molecular consequence: intron variant.
Genome position (GRCh38, 1-based): chr4:54,698,278, C duplicated. VCF-style (leftmost placement, unchanged base first): chr4-54698277-T-TC. GRCh37 (hg19) VCF-style: chr4-55564443-T-TC.
Other names: c.338-6dup (NM_001385284.1, NM_001385290.1, NM_001385288.1 and 4 more transcripts).
Identifiers: ClinVar variation 1487778 (VCV001487778.9), dbSNP rs2109671589, ClinGen allele CA2573137919.
Genomic context (GRCh38, chr4:54,698,277, plus strand): 5'-TTTAAAAAGTGTTTTCAGTGTCTGTGACCAGCCATTCCAACTACTGATTTTGGATATGCT[T>TC]CTATAGATCCTGCCAAGCTTTTCCTTGTTGACCGCTCCTTGTATGGGAAAGAAGACAACG-3'

ClinVar aggregate classification (germline): Likely benign. Review status: criteria provided, multiple submitters, no conflicts (2 of 4 stars). 2 submissions from 2 submitters: Likely benign (2). Last evaluated 2026-05-26.

Conditions:
Gastrointestinal stromal tumor. Also called: Gastrointestinal stroma tumor; Gastrointestinal stromal tumor, somatic. Identifiers: Orphanet 44890, MedGen C0238198, MeSH D046152, MONDO:0011719, OMIM 606764, HP:0100723.

Submissions (2):

Myriad Genetics, Inc.
Classification: Likely benign for Gastrointestinal stromal tumor. Last evaluated: 2026-05-26. Review status: criteria provided, single submitter. Criteria: Myriad Autosomal Dominant, Autosomal Recessive and X-Linked Classification Criteria (2023). Collection method: clinical testing. Allele origin: unknown.
Comment: This variant is considered likely benign. This variant is intronic and is not expected to impact mRNA splicing.

Labcorp Genetics (formerly Invitae), Labcorp
Classification: Likely benign for Gastrointestinal stromal tumor. Last evaluated: 2025-07-19. Review status: criteria provided, single submitter. Criteria: Invitae Variant Classification Sherloc (09022015). Collection method: clinical testing. Allele origin: germline.